The following is an entry in ClinVar:

ClinVar aggregate classification (germline): Uncertain significance. Review status: criteria provided, multiple submitters, no conflicts (2 of 4 stars). 2 submissions from 2 submitters: Uncertain significance (2). Last evaluated 2024-05-08.

Conditions:
Inborn genetic diseases. Identifiers: MedGen C0950123, MeSH D030342.

Allele frequency attached by ClinVar (database versions not stated): gnomAD exomes 0.00002; ExAC 0.00003; gnomAD 0.00003; TOPMed 0.00003; ESP Exome Variant Server 0.00008.
gnomAD v4.1: 37 of 1,614,042 alleles (0.0023%); highest among the groups gnomAD compares: Non-Finnish European, 0.003%; no homozygotes.

Submissions (2):

Ambry Genetics
Classification: Uncertain significance for Inborn genetic diseases. Last evaluated: 2024-05-08. Review status: criteria provided, single submitter. Criteria: Ambry Variant Classification Scheme 2023. Collection method: clinical testing. Allele origin: germline.

Labcorp Genetics (formerly Invitae), Labcorp
Classification: Uncertain significance. Last evaluated: 2022-07-30. Review status: criteria provided, single submitter. Criteria: Invitae Variant Classification Sherloc (09022015). Collection method: clinical testing. Allele origin: germline.
Comment: This sequence change replaces glycine, which is neutral and non-polar, with arginine, which is basic and polar, at codon 182 of the COX15 protein (p.Gly182Arg). This variant is present in population databases (rs374251363, gnomAD 0.008%). This variant has not been reported in the literature in individuals affected with COX15-related conditions. Algorithms developed to predict the effect of missense changes on protein structure and function are either unavailable or do not agree on the potential impact of this missense change (SIFT: "Not Available"; PolyPhen-2: "Benign"; Align-GVGD: "Not Available"). In summary, the available evidence is currently insufficient to determine the role of this variant in disease. Therefore, it has been classified as a Variant of Uncertain Significance.

NM_078470.6(COX15):c.544G>C (p.Gly182Arg)

Gene: COX15 (cytochrome c oxidase assembly homolog COX15; minus strand). Cytogenetic location: 10q24.2.
Variant type: single nucleotide variant.
Coding change: c.544G>C on transcript NM_078470.6 (MANE Select); coding-DNA position 544, G replaced by C.
Protein change: p.Gly182Arg; replaces glycine 182 with arginine.
Molecular consequence: missense variant. On other transcripts: non-coding transcript variant (1).
Genome position (GRCh38, 1-based): chr10:99,727,006, C>G on the plus strand (G>C on the coding strand, the complement: COX15 is on the minus strand). VCF-style: chr10-99727006-C-G. GRCh37 (hg19) VCF-style: chr10-101486763-C-G.
Other names: c.544G>C, p.Gly182Arg (NM_001320974.2, NM_001320975.2, NM_001372024.1 and 5 more transcripts); c.7G>C, p.Gly3Arg (NM_001320976.2); short protein forms G3R, G182R.
Identifiers: ClinVar variation 2166975 (VCV002166975.3), dbSNP rs374251363, ClinGen allele CA5642241.